The following is an entry in ClinVar:

ClinVar aggregate classification (germline): Uncertain significance. Review status: criteria provided, multiple submitters, no conflicts (2 of 4 stars). 3 submissions from 3 submitters: Uncertain significance (3). Last evaluated 2024-12-20.

gnomAD v4.1: 23 of 1,606,034 alleles (0.0014%); highest among the groups gnomAD compares: Non-Finnish European, 0.0019%; no homozygotes.

Submissions (3):

Ambry Genetics
Classification: Uncertain significance. Last evaluated: 2024-12-20. Review status: criteria provided, single submitter. Criteria: Ambry Variant Classification Scheme 2023. Collection method: clinical testing. Allele origin: germline.
Comment: The p.K42R variant (also known as c.125A>G), located in coding exon 2 of the SRP72 gene, results from an A to G substitution at nucleotide position 125. The lysine at codon 42 is replaced by arginine, an amino acid with highly similar properties. This amino acid position is conserved. In addition, this alteration is predicted to be tolerated by in silico analysis. Based on the available evidence, the clinical significance of this variant remains unclear.

Labcorp Genetics (formerly Invitae), Labcorp
Classification: Uncertain significance. Last evaluated: 2024-03-13. Review status: criteria provided, single submitter. Criteria: Invitae Variant Classification Sherloc (09022015). Collection method: clinical testing. Allele origin: germline.
Comment: This sequence change replaces lysine, which is basic and polar, with arginine, which is basic and polar, at codon 42 of the SRP72 protein (p.Lys42Arg). This variant is present in population databases (rs754988304, gnomAD 0.0009%). This variant has not been reported in the literature in individuals affected with SRP72-related conditions. Advanced modeling of protein sequence and biophysical properties (such as structural, functional, and spatial information, amino acid conservation, physicochemical variation, residue mobility, and thermodynamic stability) performed at Invitae indicates that this missense variant is not expected to disrupt SRP72 protein function with a negative predictive value of 80%. In summary, the available evidence is currently insufficient to determine the role of this variant in disease. Therefore, it has been classified as a Variant of Uncertain Significance.

GeneDx
Classification: Uncertain significance. Last evaluated: 2024-03-01. Review status: criteria provided, single submitter. Criteria: GeneDx Variant Classification Process June 2021. Collection method: clinical testing. Allele origin: germline. Affected: yes.
Comment: Not observed at significant frequency in large population cohorts (gnomAD); In silico analysis supports that this missense variant does not alter protein structure/function; Has not been previously published as pathogenic or benign to our knowledge; This variant is associated with the following publications: (PMID: 27899666, 28369529)

NM_006947.4(SRP72):c.125A>G (p.Lys42Arg)

Gene: SRP72 (signal recognition particle 72; plus strand). Cytogenetic location: 4q12.
Variant type: single nucleotide variant.
Coding change: c.125A>G on transcript NM_006947.4 (MANE Select); coding-DNA position 125, A replaced by G.
Protein change: p.Lys42Arg; replaces lysine 42 with arginine.
Molecular consequence: missense variant. On other transcripts: non-coding transcript variant (1).
Genome position (GRCh38, 1-based): chr4:56,469,668, A>G. VCF-style: chr4-56469668-A-G. GRCh37 (hg19) VCF-style: chr4-57335834-A-G.
Other names: c.125A>G, p.Lys42Arg (NM_001267722.2); short protein forms K42R.
Identifiers: ClinVar variation 3373618 (VCV003373618.4).